The following is an entry in ClinVar:

ClinVar aggregate classification (germline): Uncertain significance. Review status: criteria provided, multiple submitters, no conflicts (2 of 4 stars). 2 submissions from 2 submitters: Uncertain significance (2). Last evaluated 2025-12-19.

Conditions:
POLG-related disorder. Also called: POLG-Related Spectrum Disorders; POLG-related condition; POLG-Related Disorders. Identifiers: MedGen C4763519.
Progressive sclerosing poliodystrophy (MTDPS4A). Also called: ALPERS PROGRESSIVE INFANTILE POLIODYSTROPHY; ALPERS DIFFUSE DEGENERATION OF CEREBRAL GRAY MATTER WITH HEPATIC CIRRHOSIS; Alpers-Huttenlocher Syndrome; Mitochondrial DNA Depletion Syndrome 4A; Alpers-Huttenlocher Syndrome (AHS); Alpers Syndrome. Identifiers: Orphanet 726, MedGen C0205710, MONDO:0008758, OMIM 203700.

Allele frequency attached by ClinVar (database versions not stated): gnomAD exomes below 0.00001; TOPMed 0.00001.
gnomAD v4.1: 7 of 1,614,124 alleles (0.00043%); highest among the groups gnomAD compares: Non-Finnish European, 0.00042%; no homozygotes.

Submissions (2):

Labcorp Genetics (formerly Invitae), Labcorp
Classification: Uncertain significance for Progressive sclerosing poliodystrophy. Last evaluated: 2025-12-19. Review status: criteria provided, single submitter. Criteria: Invitae Variant Classification Sherloc (09022015). Collection method: clinical testing. Allele origin: germline.
Comment: This sequence change replaces lysine, which is basic and polar, with glutamic acid, which is acidic and polar, at codon 1060 of the POLG protein (p.Lys1060Glu). This variant is present in population databases (no rsID available, gnomAD no frequency). This variant has not been reported in the literature in individuals affected with POLG-related conditions. ClinVar contains an entry for this variant (Variation ID: 1508943). Invitae Evidence Modeling of protein sequence and biophysical properties (such as structural, functional, and spatial information, amino acid conservation, physicochemical variation, residue mobility, and thermodynamic stability) indicates that this missense variant is expected to disrupt POLG protein function with a positive predictive value of 95%. In summary, the available evidence is currently insufficient to determine the role of this variant in disease. Therefore, it has been classified as a Variant of Uncertain Significance.

PreventionGenetics, part of Exact Sciences
Classification: Uncertain significance for POLG-related condition. Last evaluated: 2024-11-02. Review status: criteria provided, single submitter. Criteria: ACMG Guidelines, 2015. Collection method: clinical testing. Allele origin: germline.
Comment: The POLG c.3178A>G variant is predicted to result in the amino acid substitution p.Lys1060Glu. To our knowledge, this variant has not been reported in the literature. This variant is reported in 0.0% of alleles in individuals of African descent in gnomAD. At this time, the clinical significance of this variant is uncertain due to the absence of conclusive functional and genetic evidence.

NM_002693.3(POLG):c.3178A>G (p.Lys1060Glu)

Gene: POLG (DNA polymerase gamma, catalytic subunit; minus strand). Cytogenetic location: 15q26.1.
Variant type: single nucleotide variant.
Coding change: c.3178A>G on transcript NM_002693.3 (MANE Select); coding-DNA position 3178, A replaced by G.
Protein change: p.Lys1060Glu; replaces lysine 1060 with glutamic acid.
Molecular consequence: missense variant.
Genome position (GRCh38, 1-based): chr15:89,319,026, T>C on the plus strand (A>G on the coding strand, the complement: POLG is on the minus strand). VCF-style: chr15-89319026-T-C. GRCh37 (hg19) VCF-style: chr15-89862257-T-C.
Other names: c.3178A>G, p.Lys1060Glu (NM_001126131.2); c.3178A>G (NM_002693.2); short protein forms K1060E.
Identifiers: ClinVar variation 1508943 (VCV001508943.9), dbSNP rs1444338482, ClinGen allele CA393750838.